The following is an entry in ClinVar:

NC_000009.12:g.35658042_35658043insCCCAGCTTCACAGAGTAGT

Gene: RMRP (RNA component of mitochondrial RNA processing endoribonuclease; minus strand). Cytogenetic location: 9p13.3.
Variant type: Insertion.
Genome position: GRCh38 VCF-style: chr9-35658025-T-TCAGCTTCACAGAGTAGTCC. GRCh37 (hg19) VCF-style: chr9-35658022-T-TCAGCTTCACAGAGTAGTCC.
Identifiers: ClinVar variation 2701767 (VCV002701767.3), dbSNP rs1554651471, ClinGen allele CA2689879476.
Genomic context (GRCh38, chr9:35,658,025, plus strand): 5'-GGAGGAACAGAGTCCTCAGTGTGTAGCCTAGGATACAGGCCTTCAGCACGAACCACGTCC[T>TCAGCTTCACAGAGTAGTCC]CAGCTTCACAGAGTAGTATTTTATAGCCCTAAAGAAATTGTGTTTTATGATTAGGGTGAG-3'

ClinVar aggregate classification (germline): Pathogenic (1 of 4 stars; one submission).

Conditions:
Anauxetic dysplasia. Identifiers: Orphanet 93347, MedGen C1846796, MONDO:0011773.

Submission:

Labcorp Genetics (formerly Invitae), Labcorp
Classification: Pathogenic for Anauxetic dysplasia. Last evaluated: 2023-12-09. Review status: criteria provided, single submitter. Criteria: Invitae Variant Classification Sherloc (09022015). Collection method: clinical testing. Allele origin: germline.
Comment: This variant occurs in the RMRP gene, which encodes an RNA molecule that does not result in a protein product. This variant is not present in population databases (gnomAD no frequency). While this particular variant has not been reported in the literature, it is located in the promoter region between the TATA box and the transcription initiation site, and other insertions and duplications immediately upstream of the coding sequence have been reported in individuals affected with cartilage-hair hypoplasia-anauxetic dysplasia (CHH-AD) spectrum disorders (PMID: 16244706, 11207361, 12107819). While functional studies for this variant have not been reported, experimental analyses using patient derived cells, as well as in vitro transfection studies, have shown that promoter insertions result in silencing of RMRP transcription and reduced expression of the gene product (PMID: 11207361, 16254002). For these reasons, this variant has been classified as Pathogenic.

Literature cited by the submitters: PubMed 16244706; PubMed 11207361; PubMed 12107819; PubMed 16254002.